The following is an entry in ClinVar:

ClinVar aggregate classification (germline): Uncertain significance (1 of 4 stars; one submission).

Conditions:
TWIST1-related craniosynostosis (CRS1). Also called: CRANIOSYNOSTOSIS 1. Identifiers: Orphanet 63440, MedGen C4551902, MONDO:0007399, OMIM 123100. Inheritance: Heterogenous inheritance pattern.

Submission:

Labcorp Genetics (formerly Invitae), Labcorp
Classification: Uncertain significance for TWIST1-related craniosynostosis. Last evaluated: 2025-10-02. Review status: criteria provided, single submitter. Criteria: Invitae Variant Classification Sherloc (09022015). Collection method: clinical testing. Allele origin: germline.
Comment: This sequence change replaces serine, which is neutral and polar, with tyrosine, which is neutral and polar, at codon 373 of the ERF protein (p.Ser373Tyr). This variant is not present in population databases (gnomAD no frequency). This variant has not been reported in the literature in individuals affected with ERF-related conditions. Invitae Evidence Modeling of protein sequence and biophysical properties (such as structural, functional, and spatial information, amino acid conservation, physicochemical variation, residue mobility, and thermodynamic stability) indicates that this missense variant is not expected to disrupt ERF protein function with a negative predictive value of 95%. In summary, the available evidence is currently insufficient to determine the role of this variant in disease. Therefore, it has been classified as a Variant of Uncertain Significance.

NM_006494.4(ERF):c.1118C>A (p.Ser373Tyr)

Gene: ERF (ETS2 repressor factor; minus strand). Cytogenetic location: 19q13.2.
Variant type: single nucleotide variant.
Coding change: c.1118C>A on transcript NM_006494.4 (MANE Select); coding-DNA position 1118, C replaced by A.
Protein change: p.Ser373Tyr; replaces serine 373 with tyrosine.
Molecular consequence: missense variant.
Genome position (GRCh38, 1-based): chr19:42,248,994, G>T on the plus strand (C>A on the coding strand, the complement: ERF is on the minus strand). VCF-style: chr19-42248994-G-T. GRCh37 (hg19) VCF-style: chr19-42753146-G-T.
Other names: c.893C>A, p.Ser298Tyr (NM_001301035.2, NM_001308402.2, NM_001312656.2 and 1 more transcripts); c.311C>A, p.Ser104Tyr (NM_001440421.1); short protein forms S104Y, S298Y, S373Y.
Identifiers: ClinVar variation 4747483 (VCV004747483.1).